The following is an entry in ClinVar:

ClinVar aggregate classification (germline): Uncertain significance (1 of 4 stars; one submission).

Conditions:
Oligodontia-cancer predisposition syndrome. Also called: TOOTH AGENESIS-COLORECTAL CANCER SYNDROME. Identifiers: Orphanet 300576, MedGen C1837750, MONDO:0012075, OMIM 608615. Disease mechanism: loss of function.

Submission:

Labcorp Genetics (formerly Invitae), Labcorp
Classification: Uncertain significance for Oligodontia-cancer predisposition syndrome. Last evaluated: 2022-11-14. Review status: criteria provided, single submitter. Criteria: Invitae Variant Classification Sherloc (09022015). Collection method: clinical testing. Allele origin: germline.
Comment: This variant has not been reported in the literature in individuals affected with AXIN2-related conditions. Advanced modeling of protein sequence and biophysical properties (such as structural, functional, and spatial information, amino acid conservation, physicochemical variation, residue mobility, and thermodynamic stability) performed at Invitae indicates that this missense variant is expected to disrupt AXIN2 protein function. In summary, the available evidence is currently insufficient to determine the role of this variant in disease. Therefore, it has been classified as a Variant of Uncertain Significance. This variant is not present in population databases (gnomAD no frequency). This sequence change replaces lysine, which is basic and polar, with isoleucine, which is neutral and non-polar, at codon 132 of the AXIN2 protein (p.Lys132Ile).

NM_004655.4(AXIN2):c.395A>T (p.Lys132Ile)

Gene: AXIN2 (axin 2; minus strand). Cytogenetic location: 17q24.1.
Variant type: single nucleotide variant.
Coding change: c.395A>T on transcript NM_004655.4 (MANE Select); coding-DNA position 395, A replaced by T.
Protein change: p.Lys132Ile; replaces lysine 132 with isoleucine.
Molecular consequence: missense variant.
Genome position (GRCh38, 1-based): chr17:65,558,226, T>A on the plus strand (A>T on the coding strand, the complement: AXIN2 is on the minus strand). VCF-style: chr17-65558226-T-A. GRCh37 (hg19) VCF-style: chr17-63554344-T-A.
Other names: c.395A>T, p.Lys132Ile (NM_001363813.1); short protein forms K132I.
Identifiers: ClinVar variation 2814196 (VCV002814196.3), dbSNP rs2044302758, ClinGen allele CA400681486.
Genomic context (GRCh38, chr17:65,558,226, plus strand): 5'-GCAGGCTTCAGCTGCTTGGAGACAATGCTGTTGTTCTCAATGTACCTTTTGTAGATCGCT[T>A]TGGCTACTCGTAAAGTTTTGGTATCCTTCAGGTTCATCTGCCTGAATCCATTGCAGGCAA-3'
Protein context (NP_004646.3, residues 122-142): LKDTKTLRVA[Lys132Ile]AIYKRYIENN